The following is an entry in ClinVar:

NM_001193457.2(IFFO1):c.975G>A (p.Lys325=)

Gene: IFFO1 (intermediate filament family orphan 1; minus strand). Cytogenetic location: 12p13.31.
Variant type: single nucleotide variant.
Coding change: c.975G>A on transcript NM_001193457.2 (MANE Select); coding-DNA position 975, G replaced by A.
Protein change: p.Lys325=; no amino-acid change (lysine 325 retained).
Molecular consequence: synonymous variant. On other transcripts: non-coding transcript variant (1).
Genome position (GRCh38, 1-based): chr12:6,549,852, C>T on the plus strand (G>A on the coding strand, the complement: IFFO1 is on the minus strand). VCF-style: chr12-6549852-C-T. GRCh37 (hg19) VCF-style: chr12-6659018-C-T.
Other names: c.975G>A, p.Lys325= (NM_001039670.3, NM_001330324.2, NM_001330325.2 and 1 more transcripts).
Identifiers: ClinVar variation 2642617 (VCV002642617.24), dbSNP rs145586547, ClinGen allele CA6410120.

ClinVar aggregate classification (germline): Likely benign (1 of 4 stars; one submission).

Allele frequency attached by ClinVar (database versions not stated): 1000 Genomes Project 0.00060; 1000 Genomes Project 30x 0.00094; ExAC 0.00185; gnomAD 0.00186; TOPMed 0.00199; ESP Exome Variant Server 0.00223; gnomAD exomes 0.00232.

Submission:

CeGaT Center for Human Genetics Tuebingen
Classification: Likely benign. Last evaluated: 2023-04-01. Review status: criteria provided, single submitter. Criteria: CeGaT Center For Human Genetics Tuebingen Variant Classification Criteria Version 2. Collection method: clinical testing. Allele origin: germline. Affected: yes. Observed: 1 variant allele.
Comment: IFFO1: BP4, BP7